The following is an entry in ClinVar:

ClinVar aggregate classification (germline): Conflicting classifications of pathogenicity. Review status: criteria provided, conflicting classifications (1 of 4 stars). 4 submissions from 4 submitters: Uncertain significance (3); Benign (1). Last evaluated 2025-10-18.

Conditions:
Primary ciliary dyskinesia. Also called: Ciliary dyskinesia. Identifiers: Orphanet 244, MedGen C0008780, MONDO:0016575, HP:0012265.

Allele frequency attached by ClinVar (database versions not stated): gnomAD exomes 0.00003 and 0.00007; ESP Exome Variant Server 0.00008; ExAC 0.00010; TOPMed 0.00018; 1000 Genomes Project 0.00020; 1000 Genomes Project 30x 0.00031; gnomAD 0.00031 and 0.00032.
gnomAD v4.1: 106 of 1,613,954 alleles (0.0066%); highest among the groups gnomAD compares: Admixed American, 0.078%; no homozygotes.

Submissions (4):

Mayo Clinic Laboratories, Mayo Clinic
Classification: Uncertain significance. Last evaluated: 2025-10-18. Review status: criteria provided, single submitter. Criteria: ACMG Guidelines, 2015. Collection method: clinical testing. Allele origin: germline. Observed: 1 variant allele.
Comment: BP4

Labcorp Genetics (formerly Invitae), Labcorp
Classification: Benign for Primary ciliary dyskinesia. Last evaluated: 2025-07-27. Review status: criteria provided, single submitter. Criteria: Invitae Variant Classification Sherloc (09022015). Collection method: clinical testing. Allele origin: germline.

Ambry Genetics
Classification: Uncertain significance for Primary ciliary dyskinesia. Last evaluated: 2024-11-06. Review status: criteria provided, single submitter. Criteria: Ambry Variant Classification Scheme 2023. Collection method: clinical testing. Allele origin: germline.
Comment: The p.V1812M variant (also known as c.5434G>A), located in coding exon 31 of the DNAH11 gene, results from a G to A substitution at nucleotide position 5434. The valine at codon 1812 is replaced by methionine, an amino acid with highly similar properties. This amino acid position is well conserved in available vertebrate species. In addition, this alteration is predicted to be tolerated by in silico analysis. Based on the available evidence, the clinical significance of this variant remains unclear.

Blueprint Genetics
Classification: Uncertain significance. Last evaluated: 2021-05-31. Review status: criteria provided, single submitter. Criteria: ACMG Guidelines, 2015. Collection method: clinical testing. Allele origin: germline.

NM_001277115.2(DNAH11):c.5434G>A (p.Val1812Met)

Gene: DNAH11 (dynein axonemal heavy chain 11; plus strand). Cytogenetic location: 7p15.3.
Variant type: single nucleotide variant.
Coding change: c.5434G>A on transcript NM_001277115.2 (MANE Select); coding-DNA position 5434, G replaced by A.
Protein change: p.Val1812Met; replaces valine 1812 with methionine.
Molecular consequence: missense variant.
Genome position (GRCh38, 1-based): chr7:21,681,651, G>A. VCF-style: chr7-21681651-G-A. GRCh37 (hg19) VCF-style: chr7-21721269-G-A.
Other names: p.Val1812Met; short protein forms V1812M.
Identifiers: ClinVar variation 656398 (VCV000656398.14), dbSNP rs376798792, ClinGen allele CA4180406.